The following is an entry in ClinVar:

NM_005585.5(SMAD6):c.961A>C (p.Met321Leu)

Gene: SMAD6 (SMAD family member 6; plus strand). Cytogenetic location: 15q22.31.
Variant type: single nucleotide variant.
Coding change: c.961A>C on transcript NM_005585.5 (MANE Select); coding-DNA position 961, A replaced by C.
Protein change: p.Met321Leu; replaces methionine 321 with leucine.
Molecular consequence: missense variant. On other transcripts: non-coding transcript variant (1).
Genome position (GRCh38, 1-based): chr15:66,781,005, A>C. VCF-style: chr15-66781005-A-C. GRCh37 (hg19) VCF-style: chr15-67073343-A-C.
Other names: short protein forms M321L.
Identifiers: ClinVar variation 2257020 (VCV002257020.3), dbSNP rs1396955608, ClinGen allele CA393201561.

ClinVar aggregate classification (germline): Uncertain significance. Review status: criteria provided, multiple submitters, no conflicts (2 of 4 stars). 2 submissions from 2 submitters: Uncertain significance (2). Last evaluated 2025-02-20.

Conditions:
Aortic valve disease 2 (AOVD2). Identifiers: MedGen C3542024, MONDO:0013902, OMIM 614823.
Inborn genetic diseases. Identifiers: MedGen C0950123, MeSH D030342.

Allele frequency attached by ClinVar (database versions not stated): TOPMed below 0.00001; gnomAD 0.00001.
gnomAD v4.1: 5 of 1,572,112 alleles (0.00032%); highest among the groups gnomAD compares: South Asian, 0.0046%; no homozygotes.

Submissions (2):

Labcorp Genetics (formerly Invitae), Labcorp
Classification: Uncertain significance for Aortic valve disease 2. Last evaluated: 2025-02-20. Review status: criteria provided, single submitter. Criteria: Invitae Variant Classification Sherloc (09022015). Collection method: clinical testing. Allele origin: germline.
Comment: This sequence change replaces methionine, which is neutral and non-polar, with leucine, which is neutral and non-polar, at codon 321 of the SMAD6 protein (p.Met321Leu). This variant is present in population databases (no rsID available, gnomAD 0.004%). This variant has not been reported in the literature in individuals affected with SMAD6-related conditions. ClinVar contains an entry for this variant (Variation ID: 2257020). Invitae Evidence Modeling of protein sequence and biophysical properties (such as structural, functional, and spatial information, amino acid conservation, physicochemical variation, residue mobility, and thermodynamic stability) indicates that this missense variant is not expected to disrupt SMAD6 protein function with a negative predictive value of 80%. In summary, the available evidence is currently insufficient to determine the role of this variant in disease. Therefore, it has been classified as a Variant of Uncertain Significance.

Ambry Genetics
Classification: Uncertain significance for Inborn genetic diseases. Last evaluated: 2021-10-26. Review status: criteria provided, single submitter. Criteria: Ambry Variant Classification Scheme 2023. Collection method: clinical testing. Allele origin: germline.